The following is an entry in ClinVar:

NM_000321.3(RB1):c.2212-4T>C

Gene: RB1 (RB transcriptional corepressor 1; plus strand). Cytogenetic location: 13q14.2.
Variant type: single nucleotide variant.
Coding change: c.2212-4T>C on transcript NM_000321.3 (MANE Select); 4 bases into the intron before coding-DNA position 2212, T replaced by C.
Molecular consequence: intron variant.
Genome position (GRCh38, 1-based): chr13:48,464,994, T>C. VCF-style: chr13-48464994-T-C. GRCh37 (hg19) VCF-style: chr13-49039130-T-C.
Other names: c.2212-4T>C (NM_001407165.1).
Identifiers: ClinVar variation 3350055 (VCV003350055.2).

ClinVar aggregate classification (germline): Likely benign. Review status: criteria provided, single submitter (1 of 4 stars). 2 submissions from 2 submitters: Likely benign (1). 1 of the submissions does not count toward it. Last evaluated 2025-09-16.

Conditions:
RB1-related disorder. Also called: RB1-related condition.
Retinoblastoma (RB1). Also called: RETINOBLASTOMA, SOMATIC. Identifiers: Orphanet 790, MedGen C0035335, MeSH D012175, MONDO:0008380, OMIM 180200, HP:0009919. Disease mechanism: loss of function. Inheritance: Both sporadic and heritable forms are tested..

Submissions (2):

Labcorp Genetics (formerly Invitae), Labcorp
Classification: Likely benign for Retinoblastoma. Last evaluated: 2025-09-16. Review status: criteria provided, single submitter. Criteria: Invitae Variant Classification Sherloc (09022015). Collection method: clinical testing. Allele origin: germline.

PreventionGenetics, part of Exact Sciences
Classification: Likely benign for RB1-related condition. Last evaluated: 2024-05-06. Review status: no assertion criteria provided. Collection method: clinical testing. Allele origin: germline. Not counted in ClinVar's aggregate classification.
Comment: This variant is classified as likely benign based on ACMG/AMP sequence variant interpretation guidelines (Richards et al. 2015 PMID: 25741868, with internal and published modifications).